The following is an entry in ClinVar:

ClinVar aggregate classification (germline): Uncertain significance (1 of 4 stars; one submission).

Conditions:
Polyhydramnios, megalencephaly, and symptomatic epilepsy (PMSE). Also called: PMSE SYNDROME. Identifiers: Orphanet 500533, MedGen C1970203, MONDO:0012611, OMIM 611087.

Allele frequency attached by ClinVar (database versions not stated): gnomAD 0.00001.
gnomAD v4.1: 3 of 1,614,086 alleles (0.00019%); highest among the groups gnomAD compares: African/African-American, 0.0013%; no homozygotes.

Submission:

Labcorp Genetics (formerly Invitae), Labcorp
Classification: Uncertain significance for Polyhydramnios, megalencephaly, and symptomatic epilepsy. Last evaluated: 2023-02-03. Review status: criteria provided, single submitter. Criteria: Invitae Variant Classification Sherloc (09022015). Collection method: clinical testing. Allele origin: germline.
Comment: This sequence change replaces threonine, which is neutral and polar, with isoleucine, which is neutral and non-polar, at codon 398 of the STRADA protein (p.Thr398Ile). This variant is not present in population databases (gnomAD no frequency). This variant has not been reported in the literature in individuals affected with STRADA-related conditions. ClinVar contains an entry for this variant (Variation ID: 1002910). Algorithms developed to predict the effect of missense changes on protein structure and function (SIFT, PolyPhen-2, Align-GVGD) all suggest that this variant is likely to be tolerated. In summary, the available evidence is currently insufficient to determine the role of this variant in disease. Therefore, it has been classified as a Variant of Uncertain Significance.

NM_001003787.4(STRADA):c.1193C>T (p.Thr398Ile)

Gene: STRADA (STE20 related adaptor alpha; minus strand). Cytogenetic location: 17q23.3.
Variant type: single nucleotide variant.
Coding change: c.1193C>T on transcript NM_001003787.4 (MANE Select); coding-DNA position 1193, C replaced by T.
Protein change: p.Thr398Ile; replaces threonine 398 with isoleucine.
Molecular consequence: missense variant. On other transcripts: 3 prime UTR variant (6), synonymous variant (1), non-coding transcript variant (1).
Genome position (GRCh38, 1-based): chr17:63,703,702, G>A on the plus strand (C>T on the coding strand, the complement: STRADA is on the minus strand). VCF-style: chr17-63703702-G-A. GRCh37 (hg19) VCF-style: chr17-61781062-G-A.
Other names: c.1082C>T, p.Thr361Ile (NM_001003786.3); c.1019C>T, p.Thr340Ile (NM_001003788.3); c.*70C>T (NM_001165969.2, NM_001165970.2, NM_001363788.1 and 2 more transcripts); c.1169C>T, p.Thr390Ile (NM_001363786.1); c.1106C>T, p.Thr369Ile (NM_001363787.1); c.885C>T, p.His295= (NM_001363790.1); c.*581C>T (NM_153335.6); short protein forms T340I, T361I, T369I, T390I, T398I.
Identifiers: ClinVar variation 1002910 (VCV001002910.6), dbSNP rs971998089, ClinGen allele CA292940707.
Genomic context (GRCh38, chr17:63,703,702, plus strand): 5'-ACCAGGCCAAAGATTCCACTGTGGTCCTGAGACTGGCTGCCCTCAAAATTGGTGATGGGG[G>A]TGACAGGACGAAGCAATTCGGGCAAAGCCTCTGAGGCACGTCGCTTGATCTGGGGGAGAA-3'
Protein context (NP_001003787.1, residues 388-408): EALPELLRPV[Thr398Ile]PITNFEGSQS